The following is an entry in ClinVar:

NM_022167.4(XYLT2):c.1583C>A (p.Pro528His)

Gene: XYLT2 (xylosyltransferase 2; plus strand). Cytogenetic location: 17q21.33.
Variant type: single nucleotide variant.
Coding change: c.1583C>A on transcript NM_022167.4 (MANE Select); coding-DNA position 1583, C replaced by A.
Protein change: p.Pro528His; replaces proline 528 with histidine.
Molecular consequence: missense variant.
Genome position (GRCh38, 1-based): chr17:50,356,611, C>A. VCF-style: chr17-50356611-C-A. GRCh37 (hg19) VCF-style: chr17-48433972-C-A.
Other names: short protein forms P528H.
Identifiers: ClinVar variation 2190747 (VCV002190747.3), dbSNP rs369917912, ClinGen allele CA8646494.

ClinVar aggregate classification (germline): Uncertain significance (1 of 4 stars; one submission).

Allele frequency attached by ClinVar (database versions not stated): ESP Exome Variant Server 0.00008.
gnomAD v4.1: 22 of 1,614,044 alleles (0.0014%); highest among the groups gnomAD compares: Non-Finnish European, 0.0016%; no homozygotes.

Submission:

Labcorp Genetics (formerly Invitae), Labcorp
Classification: Uncertain significance. Last evaluated: 2025-11-12. Review status: criteria provided, single submitter. Criteria: Invitae Variant Classification Sherloc (09022015). Collection method: clinical testing. Allele origin: germline.
Comment: This sequence change replaces proline, which is neutral and non-polar, with histidine, which is basic and polar, at codon 528 of the XYLT2 protein (p.Pro528His). This variant is present in population databases (rs369917912, gnomAD 0.004%). This variant has not been reported in the literature in individuals affected with XYLT2-related conditions. ClinVar contains an entry for this variant (Variation ID: 2190747). Invitae Evidence Modeling of protein sequence and biophysical properties (such as structural, functional, and spatial information, amino acid conservation, physicochemical variation, residue mobility, and thermodynamic stability) indicates that this missense variant is not expected to disrupt XYLT2 protein function with a negative predictive value of 80%. In summary, the available evidence is currently insufficient to determine the role of this variant in disease. Therefore, it has been classified as a Variant of Uncertain Significance.